The following is an entry in ClinVar:

ClinVar aggregate classification (germline): Pathogenic/Likely pathogenic. Review status: criteria provided, multiple submitters, no conflicts (2 of 4 stars). 5 submissions from 5 submitters: Pathogenic (1); Likely pathogenic (4). Last evaluated 2026-05-01.

Conditions:
Hereditary cancer-predisposing syndrome. Also called: Neoplastic Syndromes, Hereditary; Tumor predisposition; Hereditary Cancer Syndrome; Hereditary neoplastic syndrome. Identifiers: Orphanet 140162, MedGen C0027672, MeSH D009386, MONDO:0015356.
Hereditary leiomyomatosis and renal cell cancer. Also called: MULTIPLE CUTANEOUS AND UTERINE LEIOMYOMATA 1, WITH OR WITHOUT RENAL CELL CARCINOMA; Reed syndrome; Multiple cutaneous and uterine leiomyomatosis; Cutaneous leiomyomata with uterine leiomyomata; Leiomyoma, hereditary multiple, of skin; Multiple cutaneous and uterine leiomyomata. Identifiers: Orphanet 523, MedGen C1708350, MONDO:0007888, OMIM 150800, HP:0007437. Disease mechanism: loss of function.
Fumarase deficiency (FMRD). Also called: Fumarate Hydratase Deficiency; Fumaric aciduria. Identifiers: Orphanet 24, MedGen C0342770, MONDO:0011730, OMIM 606812.

Submissions (5):

Myriad Genetics, Inc.
Classification: Likely pathogenic for Hereditary leiomyomatosis and renal cell cancer. Last evaluated: 2026-05-01. Review status: criteria provided, single submitter. Criteria: Myriad Autosomal Dominant, Autosomal Recessive and X-Linked Classification Criteria (2023). Collection method: clinical testing. Allele origin: unknown.
Comment: This variant is considered likely pathogenic. This variant occurs within a consensus splice junction and is predicted to result in abnormal mRNA splicing of either an out-of-frame exon or an in-frame exon necessary for protein stability and/or normal function.

Ambry Genetics
Classification: Likely pathogenic for Hereditary cancer-predisposing syndrome. Last evaluated: 2025-05-17. Review status: criteria provided, single submitter. Criteria: Ambry Variant Classification Scheme 2023. Collection method: clinical testing. Allele origin: germline.
Comment: The c.739-2A>G intronic variant results from an A to G substitution two nucleotides upstream from coding exon 6 in the FH gene. This variant is considered to be rare based on population cohorts in the Genome Aggregation Database (gnomAD). This nucleotide position is highly conserved in available vertebrate species. In silico splice site analysis predicts that this alteration will weaken the native splice acceptor site and will result in the creation or strengthening of a novel splice acceptor site. Other variant(s) impacting the same acceptor site (c.739-1G>T) have been identified in individual(s) with features consistent with Hereditary leiomyomatosis and renal cell cancer (HLRCC) (Ambry internal data). Alterations that disrupt the canonical splice site are expected to cause aberrant splicing, resulting in an abnormal protein or a transcript that is subject to nonsense-mediated mRNA decay. As such, this alteration is classified as likely pathogenic.

Labcorp Genetics (formerly Invitae), Labcorp
Classification: Pathogenic. Last evaluated: 2025-03-19. Review status: criteria provided, single submitter. Criteria: Invitae Variant Classification Sherloc (09022015). Collection method: clinical testing. Allele origin: germline.
Comment: This sequence change affects an acceptor splice site in intron 5 of the FH gene. It is expected to disrupt RNA splicing. Variants that disrupt the donor or acceptor splice site typically lead to a loss of protein function (PMID: 16199547), and loss-of-function variants in FH are known to be pathogenic (PMID: 11865300, 21398687). This variant is not present in population databases (gnomAD no frequency). Disruption of this splice site has been observed in individuals with leiomyomas, uterine fibroids and renal cell cancer (internal data). ClinVar contains an entry for this variant (Variation ID: 654446). Algorithms developed to predict the effect of sequence changes on RNA splicing suggest that this variant may disrupt the consensus splice site. For these reasons, this variant has been classified as Pathogenic.

Fulgent Genetics
Classification: Likely pathogenic for Hereditary leiomyomatosis and renal cell cancer; Fumarase deficiency. Last evaluated: 2021-10-06. Review status: criteria provided, single submitter. Criteria: ACMG Guidelines, 2015. Collection method: clinical testing. Allele origin: unknown.

Illumina Laboratory Services, Illumina
Classification: Likely pathogenic for Hereditary leiomyomatosis and renal cell cancer. Last evaluated: 2020-11-20. Review status: criteria provided, single submitter. Criteria: ICSLVariantClassificationCriteria RUGD 01 April 2020. Collection method: clinical testing. Allele origin: unknown.
Comment: The FH c.739-2A>G variant occurs in a canonical splice site (acceptor) and is therefore predicted to disrupt the normal gene product. A literature search was performed for the gene and cDNA change. This variant has not been reported in the germline, but was identified in a leiomyoma tumor sample (MÃ¤kinen et al. 2017). The c.739-2A>G variant is not found in the Genome Aggregation Database in a region of good sequencing coverage so the variant is presumed to be rare. Based on the predicted disruption of the normal gene product and application of ACMG criteria, the c.739-2A>G variant is classified as likely pathogenic for hereditary leiomyomatosis and renal cell cancer.

Literature cited by the submitters: PubMed 16199547 (cited by Labcorp Genetics (formerly Invitae), Labcorp); PubMed 11865300 (cited by Labcorp Genetics (formerly Invitae), Labcorp); PubMed 21398687 (cited by Labcorp Genetics (formerly Invitae), Labcorp); PubMed 28592321 (cited by Illumina Laboratory Services, Illumina).

NM_000143.4(FH):c.739-2A>G

Gene: FH (fumarate hydratase; minus strand). Cytogenetic location: 1q43.
Variant type: single nucleotide variant.
Coding change: c.739-2A>G on transcript NM_000143.4 (MANE Select); the canonical splice acceptor site of the intron before coding-DNA position 739, A replaced by G.
Molecular consequence: splice acceptor variant.
Genome position (GRCh38, 1-based): chr1:241,506,170, T>C on the plus strand (A>G on the coding strand, the complement: FH is on the minus strand). VCF-style: chr1-241506170-T-C. GRCh37 (hg19) VCF-style: chr1-241669470-T-C.
Identifiers: ClinVar variation 654446 (VCV000654446.18), dbSNP rs1553341174, ClinGen allele CA345439134.